The following is an entry in ClinVar:

ClinVar aggregate classification (germline): Uncertain significance. Review status: criteria provided, multiple submitters, no conflicts (2 of 4 stars). 2 submissions from 2 submitters: Uncertain significance (2). Last evaluated 2024-07-25.

Conditions:
Hereditary cancer-predisposing syndrome. Also called: Neoplastic Syndromes, Hereditary; Tumor predisposition; Hereditary Cancer Syndrome; Hereditary neoplastic syndrome. Identifiers: Orphanet 140162, MedGen C0027672, MeSH D009386, MONDO:0015356.

Allele frequency attached by ClinVar (database versions not stated): gnomAD exomes below 0.00001.
gnomAD v4.1: 4 of 1,614,120 alleles (0.00025%); highest among the groups gnomAD compares: Non-Finnish European, 0.00034%; no homozygotes.

Submissions (2):

Labcorp Genetics (formerly Invitae), Labcorp
Classification: Uncertain significance. Last evaluated: 2024-07-25. Review status: criteria provided, single submitter. Criteria: Invitae Variant Classification Sherloc (09022015). Collection method: clinical testing. Allele origin: germline.
Comment: This sequence change replaces tyrosine, which is neutral and polar, with histidine, which is basic and polar, at codon 256 of the MSH3 protein (p.Tyr256His). This variant is present in population databases (no rsID available, gnomAD 0.0009%). This variant has not been reported in the literature in individuals affected with MSH3-related conditions. ClinVar contains an entry for this variant (Variation ID: 1760071). An algorithm developed to predict the effect of missense changes on protein structure and function (PolyPhen-2) suggests that this variant is likely to be disruptive. In summary, the available evidence is currently insufficient to determine the role of this variant in disease. Therefore, it has been classified as a Variant of Uncertain Significance.

Ambry Genetics
Classification: Uncertain significance for Hereditary cancer-predisposing syndrome. Last evaluated: 2023-10-13. Review status: criteria provided, single submitter. Criteria: Ambry Variant Classification Scheme 2023. Collection method: clinical testing. Allele origin: germline.
Comment: The p.Y256H variant (also known as c.766T>C), located in coding exon 4 of the MSH3 gene, results from a T to C substitution at nucleotide position 766. The tyrosine at codon 256 is replaced by histidine, an amino acid with similar properties. This amino acid position is highly conserved in available vertebrate species. In addition, this alteration is predicted to be deleterious by in silico analysis. Since supporting evidence is limited at this time, the clinical significance of this alteration remains unclear.

NM_002439.5(MSH3):c.766T>C (p.Tyr256His)

Gene: MSH3 (mutS homolog 3; plus strand). Cytogenetic location: 5q14.1.
Variant type: single nucleotide variant.
Coding change: c.766T>C on transcript NM_002439.5 (MANE Select); coding-DNA position 766, T replaced by C.
Protein change: p.Tyr256His; replaces tyrosine 256 with histidine.
Molecular consequence: missense variant.
Genome position (GRCh38, 1-based): chr5:80,670,283, T>C. VCF-style: chr5-80670283-T-C. GRCh37 (hg19) VCF-style: chr5-79966102-T-C.
Other names: short protein forms Y256H.
Identifiers: ClinVar variation 1760071 (VCV001760071.5), dbSNP rs1298061414, ClinGen allele CA360266976.